The following is an entry in ClinVar:

ClinVar aggregate classification (germline): Uncertain significance. Review status: criteria provided, multiple submitters, no conflicts (2 of 4 stars). 3 submissions from 3 submitters: Uncertain significance (3). Last evaluated 2025-11-19.

Conditions:
Ehlers-Danlos syndrome, classic type, 1 (EDSCL1). Also called: EDS I; EHLERS-DANLOS SYNDROME, GRAVIS TYPE; EHLERS-DANLOS SYNDROME, SEVERE CLASSIC TYPE; Ehlers-Danlos syndrome, type 1; Ehlers-Danlos Syndrome, Classic Type, COL5A1-Related. Identifiers: MedGen C0268335, MONDO:0019567, OMIM 130000.
COL5A2-related disorder. Also called: COL5A2-related condition.

Allele frequency attached by ClinVar (database versions not stated): gnomAD 0.00002 and 0.00003; gnomAD exomes 0.00002; TOPMed 0.00003.
gnomAD v4.1: 29 of 1,613,746 alleles (0.0018%); highest among the groups gnomAD compares: Admixed American, 0.005%; no homozygotes.

Submissions (3):

PreventionGenetics, part of Exact Sciences
Classification: Uncertain significance for COL5A2-related condition. Last evaluated: 2025-11-19. Review status: criteria provided, single submitter. Criteria: ACMG Guidelines, 2015. Collection method: clinical testing. Allele origin: germline.
Comment: The COL5A2 c.1697C>T variant is predicted to result in the amino acid substitution p.Pro566Leu. To our knowledge, this variant has not been reported in the literature or in a large population database (gnomAD), indicating this variant is rare. At this time, the clinical significance of this variant is uncertain due to the absence of conclusive functional and genetic evidence.

Labcorp Genetics (formerly Invitae), Labcorp
Classification: Uncertain significance for Ehlers-Danlos syndrome, classic type, 1. Last evaluated: 2024-10-24. Review status: criteria provided, single submitter. Criteria: Invitae Variant Classification Sherloc (09022015). Collection method: clinical testing. Allele origin: germline.
Comment: This sequence change replaces proline, which is neutral and non-polar, with leucine, which is neutral and non-polar, at codon 566 of the COL5A2 protein (p.Pro566Leu). This variant is not present in population databases (gnomAD no frequency). This variant has not been reported in the literature in individuals affected with COL5A2-related conditions. ClinVar contains an entry for this variant (Variation ID: 453117). Invitae Evidence Modeling of protein sequence and biophysical properties (such as structural, functional, and spatial information, amino acid conservation, physicochemical variation, residue mobility, and thermodynamic stability) indicates that this missense variant is not expected to disrupt COL5A2 protein function with a negative predictive value of 80%. In summary, the available evidence is currently insufficient to determine the role of this variant in disease. Therefore, it has been classified as a Variant of Uncertain Significance.

GeneDx
Classification: Uncertain significance. Last evaluated: 2017-11-01. Review status: criteria provided, single submitter. Criteria: GeneDx Variant Classification (06012015). Collection method: clinical testing. Allele origin: germline. Affected: yes.
Comment: The P566L variant in the COL5A2 gene has not been reported previously as a pathogenic variant, nor as a benign variant, to our knowledge. The P566L variant is not observed in large population cohorts (Lek et al., 2016). The P566L variant is a semi-conservative amino acid substitution, which may impact secondary protein structure as these residues differ in some properties. This substitution occurs at a position that is not conserved across species. In silico analysis predicts this variant is probably damaging to the protein structure/function. We interpret P566L as a variant of uncertain significance.

NM_000393.5(COL5A2):c.1697C>T (p.Pro566Leu)

Gene: COL5A2 (collagen type V alpha 2 chain; minus strand). Cytogenetic location: 2q32.2.
Variant type: single nucleotide variant.
Coding change: c.1697C>T on transcript NM_000393.5 (MANE Select); coding-DNA position 1697, C replaced by T.
Protein change: p.Pro566Leu; replaces proline 566 with leucine.
Molecular consequence: missense variant.
Genome position (GRCh38, 1-based): chr2:189,064,576, G>A on the plus strand (C>T on the coding strand, the complement: COL5A2 is on the minus strand). VCF-style: chr2-189064576-G-A. GRCh37 (hg19) VCF-style: chr2-189929302-G-A.
Other names: c.1697C>T (NM_000393.4); short protein forms P566L.
Identifiers: ClinVar variation 453117 (VCV000453117.14), dbSNP rs1051400743, ClinGen allele CA62601570.